The following is an entry in ClinVar:

NM_000044.6(AR):c.1873A>G (p.Met625Val)

Gene: AR (androgen receptor; plus strand). Cytogenetic location: Xq12.
Variant type: single nucleotide variant.
Coding change: c.1873A>G on transcript NM_000044.6 (MANE Select); coding-DNA position 1873, A replaced by G.
Protein change: p.Met625Val; replaces methionine 625 with valine.
Molecular consequence: missense variant. On other transcripts: 3 prime UTR variant (1).
Genome position (GRCh38, 1-based): chrX:67,686,114, A>G. VCF-style: chrX-67686114-A-G. GRCh37 (hg19) VCF-style: chrX-66905956-A-G.
Other names: c.277A>G, p.Met93Val (NM_001011645.3); c.1873A>G, p.Met625Val (NM_001348061.1, NM_001348063.1); c.*71A>G (NM_001348064.1); c.1876A>G, p.Met626Val (NM_001424175.1); short protein forms M625V, M626V, M93V.
Identifiers: ClinVar variation 3062281 (VCV003062281.1), dbSNP rs2519800944, ClinGen allele CA413429362.

ClinVar aggregate classification (germline): Likely pathogenic (1 of 4 stars; one submission).

Conditions:
Androgen resistance syndrome (AIS). Also called: ANDROGEN RECEPTOR DEFICIENCY; DIHYDROTESTOSTERONE RECEPTOR DEFICIENCY; TESTICULAR FEMINIZATION SYNDROME; Androgen insensitivity syndrome; Androgen insensitivity, complete; DHTR DEFICIENCY. Identifiers: Orphanet 754, Orphanet 99429, MedGen C0039585, MONDO:0019154, OMIM 300068. Disease mechanism: loss of function.

Submission:

Molecular Genetics Department, Kulakov National Medical Research Center for Obstetrics, Gynecology and Perinatology
Classification: Likely pathogenic for Androgen resistance syndrome. Review status: criteria provided, single submitter. Criteria: ACMG Guidelines, 2015. Collection method: clinical testing. Allele origin: germline. Affected: yes.
Comment: A previously undescribed nucleotide variant creates a missense p.Met625Val in the AR gene. Hemizygous missense variants are reported in patients with Androgen insensitivity, 300068. Another missense variant at the same position (p.Met625Leu) was previously described in patient with Androgen insensitivity syndrome [Lek et al., 2018, PMID: 30316867]. The variant is not present in population database (gnomAD no frequency). In summary, the currently available evidence indicates that the variant is pathogenic, but additional data are needed to prove that conclusively. Therefore, this variant has been classified as likely pathogenic.